The following is an entry in ClinVar:

ClinVar aggregate classification (germline): Conflicting classifications of pathogenicity. Review status: criteria provided, conflicting classifications (1 of 4 stars). 2 submissions from 2 submitters: Uncertain significance (1); Likely benign (1). Last evaluated 2019-04-24.

Conditions:
Inborn genetic diseases. Identifiers: MedGen C0950123, MeSH D030342.

Submissions (2):

GeneDx
Classification: Uncertain significance. Last evaluated: 2019-04-24. Review status: criteria provided, single submitter. Criteria: GeneDx Variant Classification Process June 2021. Collection method: clinical testing. Allele origin: germline. Affected: yes.
Comment: Not observed in large population cohorts (Lek et al., 2016); In silico analysis, which includes protein predictors and evolutionary conservation, supports that this variant does not alter protein structure/function; Has not been previously published as pathogenic or benign to our knowledge

Ambry Genetics
Classification: Likely benign for Inborn genetic diseases. Last evaluated: 2018-02-07. Review status: criteria provided, single submitter. Criteria: Ambry Variant Classification Scheme 2023. Collection method: clinical testing. Allele origin: germline.

NM_001170629.2(CHD8):c.992A>G (p.Gln331Arg)

Gene: CHD8 (chromodomain helicase DNA binding protein 8; minus strand). Cytogenetic location: 14q11.2.
Variant type: single nucleotide variant.
Coding change: c.992A>G on transcript NM_001170629.2 (MANE Select); coding-DNA position 992, A replaced by G.
Protein change: p.Gln331Arg; replaces glutamine 331 with arginine.
Molecular consequence: missense variant.
Genome position (GRCh38, 1-based): chr14:21,429,187, T>C on the plus strand (A>G on the coding strand, the complement: CHD8 is on the minus strand). VCF-style: chr14-21429187-T-C. GRCh37 (hg19) VCF-style: chr14-21897346-T-C.
Other names: c.155A>G, p.Gln52Arg (NM_020920.4); short protein forms Q331R, Q52R.
Identifiers: ClinVar variation 589689 (VCV000589689.7), dbSNP rs1566444686, ClinGen allele CA388885219.